The following is an entry in ClinVar:

ClinVar aggregate classification (germline): Uncertain significance (1 of 4 stars; one submission).

Conditions:
TSPEAR-related disorder. Also called: TSPEAR-related condition.

gnomAD v4.1: 3 of 1,613,944 alleles (0.00019%); highest among the groups gnomAD compares: Non-Finnish European, 0.00025%; no homozygotes.

Submission:

PreventionGenetics, part of Exact Sciences
Classification: Uncertain significance for TSPEAR-related condition. Last evaluated: 2026-01-20. Review status: criteria provided, single submitter. Criteria: ACMG Guidelines, 2015. Collection method: clinical testing. Allele origin: germline.
Comment: The TSPEAR c.1354G>A variant is predicted to result in the amino acid substitution p.Asp452Asn. To our knowledge, this variant has not been reported in the literature or in a large population database (gnomAD), indicating this variant is rare. At this time, the clinical significance of this variant is uncertain due to the absence of conclusive functional and genetic evidence.

NM_144991.3(TSPEAR):c.1354G>A (p.Asp452Asn)

Gene: TSPEAR (thrombospondin type laminin G domain and EAR repeats; minus strand). Cytogenetic location: 21q22.3.
Variant type: single nucleotide variant.
Coding change: c.1354G>A on transcript NM_144991.3 (MANE Select); coding-DNA position 1354, G replaced by A.
Protein change: p.Asp452Asn; replaces aspartic acid 452 with asparagine.
Molecular consequence: missense variant.
Genome position (GRCh38, 1-based): chr21:44,522,095, C>T on the plus strand (G>A on the coding strand, the complement: TSPEAR is on the minus strand). VCF-style: chr21-44522095-C-T. GRCh37 (hg19) VCF-style: chr21-45941978-C-T.
Other names: c.1150G>A, p.Asp384Asn (NM_001272037.2); short protein forms D384N, D452N.
Identifiers: ClinVar variation 4979595 (VCV004979595.1).